The following is an entry in ClinVar:

NM_001379029.1(CERT1):c.922G>A (p.Asp308Asn)

Gene: CERT1 (ceramide transporter 1; minus strand). Cytogenetic location: 5q13.3.
Variant type: single nucleotide variant.
Coding change: c.922G>A on transcript NM_001379029.1 (MANE Select); coding-DNA position 922, G replaced by A.
Protein change: p.Asp308Asn; replaces aspartic acid 308 with asparagine.
Molecular consequence: missense variant.
Genome position (GRCh38, 1-based): chr5:75,411,019, C>T on the plus strand (G>A on the coding strand, the complement: CERT1 is on the minus strand). VCF-style: chr5-75411019-C-T. GRCh37 (hg19) VCF-style: chr5-74706844-C-T.
Other names: c.922G>A, p.Asp308Asn (NM_005713.3, NM_031361.3, NM_001379002.1 and 2 more transcripts); c.1306G>A, p.Asp436Asn (NM_001130105.1); short protein forms D308N, D436N.
Identifiers: ClinVar variation 3896025 (VCV003896025.1).

ClinVar aggregate classification (germline): Uncertain significance (1 of 4 stars; one submission).

Submission:

Women's Health and Genetics/Laboratory Corporation of America, LabCorp
Classification: Uncertain significance. Last evaluated: 2025-03-31. Review status: criteria provided, single submitter. Criteria: LabCorp Variant Classification Summary - May 2015. Collection method: clinical testing. Allele origin: germline.
Comment: Variant summary: CERT1 c.1306G>A (p.Asp436Asn) results in a conservative amino acid change located in the START domain (IPR002913) of the encoded protein sequence. Three of five in-silico tools predict a damaging effect of the variant on protein function. The variant was absent in 1531950 control chromosomes. The available data on variant occurrences in the general population are insufficient to allow any conclusion about variant significance. To our knowledge, no occurrence of c.1306G>A in individuals affected with Intellectual Disability, Autosomal Dominant 34 and no experimental evidence demonstrating its impact on protein function have been reported. No submitters have cited clinical-significance assessments for this variant to ClinVar. Based on the evidence outlined above, the variant was classified as uncertain significance.